The following is an entry in ClinVar:

NM_004444.5(EPHB4):c.1340C>T (p.Pro447Leu)

Gene: EPHB4 (EPH receptor B4; minus strand). Cytogenetic location: 7q22.1.
Variant type: single nucleotide variant.
Coding change: c.1340C>T on transcript NM_004444.5 (MANE Select); coding-DNA position 1340, C replaced by T.
Protein change: p.Pro447Leu; replaces proline 447 with leucine.
Molecular consequence: missense variant.
Genome position (GRCh38, 1-based): chr7:100,818,602, G>A on the plus strand (C>T on the coding strand, the complement: EPHB4 is on the minus strand). VCF-style: chr7-100818602-G-A. GRCh37 (hg19) VCF-style: chr7-100416224-G-A.
Other names: short protein forms P447L.
Identifiers: ClinVar variation 3275981 (VCV003275981.1).

ClinVar aggregate classification (germline): Uncertain significance (1 of 4 stars; one submission).

Conditions:
Cardiovascular phenotype. Identifiers: MedGen CN230736.

gnomAD v4.1: 7 of 1,613,192 alleles (0.00043%); highest among the groups gnomAD compares: Non-Finnish European, 0.00059%; no homozygotes.

Submission:

Ambry Genetics
Classification: Uncertain significance for Cardiovascular phenotype. Last evaluated: 2024-05-04. Review status: criteria provided, single submitter. Criteria: Ambry Variant Classification Scheme 2023. Collection method: clinical testing. Allele origin: germline.
Comment: The p.P447L variant (also known as c.1340C>T), located in coding exon 7 of the EPHB4 gene, results from a C to T substitution at nucleotide position 1340. The proline at codon 447 is replaced by leucine, an amino acid with similar properties. This amino acid position is conserved. In addition, this alteration is predicted to be tolerated by in silico analysis. Based on the available evidence, the clinical significance of this variant remains unclear.